The following is an entry in ClinVar:

NM_004947.5(DOCK3):c.2960T>G (p.Leu987Arg)

Gene: DOCK3 (dedicator of cytokinesis 3; plus strand). Cytogenetic location: 3p21.2.
Variant type: single nucleotide variant.
Coding change: c.2960T>G on transcript NM_004947.5 (MANE Select); coding-DNA position 2960, T replaced by G.
Protein change: p.Leu987Arg; replaces leucine 987 with arginine.
Molecular consequence: missense variant.
Genome position (GRCh38, 1-based): chr3:51,310,269, T>G. VCF-style: chr3-51310269-T-G. GRCh37 (hg19) VCF-style: chr3-51347700-T-G.
Other names: short protein forms L987R.
Identifiers: ClinVar variation 4529713 (VCV004529713.1).

ClinVar aggregate classification (germline): Uncertain significance (1 of 4 stars; one submission).

gnomAD v4.1: 1 of 1,606,204 alleles (0.000062%); highest among the groups gnomAD compares: Non-Finnish European, 0.000085%; no homozygotes.

Submission:

GeneDx
Classification: Uncertain significance. Last evaluated: 2023-04-30. Review status: criteria provided, single submitter. Criteria: GeneDx Variant Classification Process June 2021. Collection method: clinical testing. Allele origin: germline. Affected: yes.
Comment: Not observed at significant frequency in large population cohorts (gnomAD); In silico analysis supports that this missense variant has a deleterious effect on protein structure/function; Has not been previously published as pathogenic or benign to our knowledge; Variants in candidate genes are classified as variants of uncertain significance in accordance with ACMG guidelines (Richards et al., 2015)